The following is an entry in ClinVar:

NM_017739.4(POMGNT1):c.1152+2T>C

Genes: POMGNT1 (protein O-linked mannose N-acetylglucosaminyltransferase 1 (beta 1,2-); minus strand), TSPAN1 (tetraspanin 1; plus strand). Cytogenetic location: 1p34.1.
Variant type: single nucleotide variant.
Coding change: c.1152+2T>C on transcript NM_017739.4 (MANE Select); the canonical splice donor site of the intron after coding-DNA position 1152, T replaced by C.
Molecular consequence: splice donor variant.
Genome position (GRCh38, 1-based): chr1:46,193,172, A>G on the plus strand (T>C on the coding strand, the complement: POMGNT1 is on the minus strand). VCF-style: chr1-46193172-A-G. GRCh37 (hg19) VCF-style: chr1-46658844-A-G.
Other names: NC_000001.10:g.46658844A>G; c.1086+2T>C (NM_001438691.1, NM_001438692.1, NM_001290129.3); c.1152+2T>C (NM_001438688.1, NM_001437653.1, NM_001410783.1 and 3 more transcripts); c.723+2T>C (NM_001290130.2).
Identifiers: ClinVar variation 558053 (VCV000558053.24), dbSNP rs1553163335, ClinGen allele CA340179317.

ClinVar aggregate classification (germline): Likely pathogenic. Review status: criteria provided, multiple submitters, no conflicts (2 of 4 stars). 5 submissions from 5 submitters: Likely pathogenic (4). 1 of the submissions does not count toward it. Last evaluated 2025-02-03.

Conditions:
Muscular dystrophy-dystroglycanopathy (congenital with impaired intellectual development), type B, 3. Also called: Muscular dystrophy-dystroglycanopathy (congenital with intellectual disability), type B3; MUSCULAR DYSTROPHY, CONGENITAL, POMGNT1-RELATED. Identifiers: MedGen C3150412, MONDO:0013155, OMIM 613151.
Muscular dystrophy-dystroglycanopathy (congenital with brain and eye anomalies), type A3. Also called: Congenital muscular dystrophy-dystroglycanopathy with brain and eye anomalies, type A3; Muscular dystrophy-dystroglycanopathy (congenital with brain and eye anomalies), type A, 3; WALKER-WARBURG SYNDROME OR MUSCLE-EYE-BRAIN DISEASE, POMGNT1-RELATED. Identifiers: MedGen C3151519, MONDO:0009667, OMIM 253280.
Retinitis pigmentosa 76 (RP76). Identifiers: MedGen C4310704, MONDO:0014929, OMIM 617123.
Autosomal recessive limb-girdle muscular dystrophy type 2O. Also called: Limb-Girdle Muscular Dystrophy Type 3C; MUSCULAR DYSTROPHY-DYSTROGLYCANOPATHY (LIMB-GIRDLE), TYPE C, 3; MUSCULAR DYSTROPHY-DYSTROGLYCANOPATHY, LIMB-GIRDLE, POMGNT1-RELATED. Identifiers: Orphanet 206564, MedGen C3150417, MONDO:0013161, OMIM 613157.

Allele frequency attached by ClinVar (database versions not stated): TOPMed below 0.00001; gnomAD 0.00001.
gnomAD v4.1: 1 of 1,614,010 alleles (0.000062%); highest among the groups gnomAD compares: Non-Finnish European, 0.000085%; no homozygotes.

Submissions (6):

Labcorp Genetics (formerly Invitae), Labcorp
Classification: Likely pathogenic for Autosomal recessive limb-girdle muscular dystrophy type 2O; Muscular dystrophy-dystroglycanopathy (congenital with impaired intellectual development), type B, 3. Last evaluated: 2025-02-03. Review status: criteria provided, single submitter. Criteria: Invitae Variant Classification Sherloc (09022015). Collection method: clinical testing. Allele origin: germline.
Comment: This sequence change affects a donor splice site in intron 13 of the POMGNT1 gene. It is expected to disrupt RNA splicing. Variants that disrupt the donor or acceptor splice site typically lead to a loss of protein function (PMID: 16199547), and loss-of-function variants in POMGNT1 are known to be pathogenic (PMID: 19299310, 20816175, 21447391, 26908613, 27391550). This variant is not present in population databases (gnomAD no frequency). This variant has not been reported in the literature in individuals affected with POMGNT1-related conditions. ClinVar contains an entry for this variant (Variation ID: 558053). Algorithms developed to predict the effect of sequence changes on RNA splicing suggest that this variant may disrupt the consensus splice site. In summary, the currently available evidence indicates that the variant is pathogenic, but additional data are needed to prove that conclusively. Therefore, this variant has been classified as Likely Pathogenic.

CeGaT Center for Human Genetics Tuebingen
Classification: Likely pathogenic. Last evaluated: 2024-06-01. Review status: criteria provided, single submitter. Criteria: CeGaT Center For Human Genetics Tuebingen Variant Classification Criteria Version 2. Collection method: clinical testing. Allele origin: germline. Affected: yes. Observed: 1 variant allele.
Comment: POMGNT1: PVS1:Strong, PM2, PM3:Supporting, PP4

Fulgent Genetics
Classification: Likely pathogenic for Muscular dystrophy-dystroglycanopathy (congenital with brain and eye anomalies), type A3; Muscular dystrophy-dystroglycanopathy (congenital with impaired intellectual development), type B, 3; Autosomal recessive limb-girdle muscular dystrophy type 2O; Retinitis pigmentosa 76. Last evaluated: 2024-04-07. Review status: criteria provided, single submitter. Criteria: ACMG Guidelines, 2015. Collection method: clinical testing. Allele origin: germline.

Baylor Genetics
Classification: Likely pathogenic for Muscular dystrophy-dystroglycanopathy (congenital with brain and eye anomalies), type A3. Last evaluated: 2023-05-04. Review status: criteria provided, single submitter. Criteria: ACMG Guidelines, 2015. Collection method: clinical testing. Allele origin: unknown.

Counsyl
Classification: Likely pathogenic for Muscular dystrophy-dystroglycanopathy (congenital with brain and eye anomalies), type A3. Last evaluated: 2018-05-01. Review status: no assertion criteria provided. Collection method: clinical testing. Allele origin: unknown. Not counted in ClinVar's aggregate classification.

Dr. Peter K. Rogan Lab, Western University
No classification provided (evidence only). Condition: Gastric cancer. Review status: no classification provided. Collection method: in vitro. Allele origin: not applicable. Functional consequence: retained intron. Not counted in ClinVar's aggregate classification.

Literature cited by the submitters: PubMed 16199547 (cited by Labcorp Genetics (formerly Invitae), Labcorp); PubMed 19299310 (cited by Labcorp Genetics (formerly Invitae), Labcorp); PubMed 20816175 (cited by Labcorp Genetics (formerly Invitae), Labcorp); PubMed 21447391 (cited by Labcorp Genetics (formerly Invitae), Labcorp); PubMed 26908613 (cited by Labcorp Genetics (formerly Invitae), Labcorp); PubMed 27391550 (cited by Labcorp Genetics (formerly Invitae), Labcorp).